The following is an entry in ClinVar:

ClinVar aggregate classification (germline): Uncertain significance (1 of 4 stars; one submission).

Conditions:
Hypertrophic cardiomyopathy 14. Identifiers: MedGen C2750467, MONDO:0013197, OMIM 613251.

Submission:

Labcorp Genetics (formerly Invitae), Labcorp
Classification: Uncertain significance for Hypertrophic cardiomyopathy 14. Last evaluated: 2025-05-14. Review status: criteria provided, single submitter. Criteria: Invitae Variant Classification Sherloc (09022015). Collection method: clinical testing. Allele origin: germline.
Comment: This sequence change replaces alanine, which is neutral and non-polar, with threonine, which is neutral and polar, at codon 7 of the MYH6 protein (p.Ala7Thr). This variant is not present in population databases (gnomAD no frequency). This variant has not been reported in the literature in individuals affected with MYH6-related conditions. Invitae Evidence Modeling of protein sequence and biophysical properties (such as structural, functional, and spatial information, amino acid conservation, physicochemical variation, residue mobility, and thermodynamic stability) indicates that this missense variant is not expected to disrupt MYH6 protein function with a negative predictive value of 80%. In summary, the available evidence is currently insufficient to determine the role of this variant in disease. Therefore, it has been classified as a Variant of Uncertain Significance.

NM_002471.4(MYH6):c.19G>A (p.Ala7Thr)

Genes: MYH6 (myosin heavy chain 6; minus strand), LOC114827851 (VISTA enhancer hs2155; plus strand). Cytogenetic location: 14q11.2.
Variant type: single nucleotide variant.
Coding change: c.19G>A on transcript NM_002471.4 (MANE Select); coding-DNA position 19, G replaced by A.
Protein change: p.Ala7Thr; replaces alanine 7 with threonine.
Molecular consequence: missense variant.
Genome position (GRCh38, 1-based): chr14:23,407,205, C>T on the plus strand (G>A on the coding strand, the complement: MYH6 is on the minus strand). VCF-style: chr14-23407205-C-T. GRCh37 (hg19) VCF-style: chr14-23876414-C-T.
Other names: short protein forms A7T.
Identifiers: ClinVar variation 4741579 (VCV004741579.1).